The following is an entry in ClinVar:

NM_000264.5(PTCH1):c.3409G>A (p.Val1137Met)

Gene: PTCH1 (patched 1; minus strand). Cytogenetic location: 9q22.32.
Variant type: single nucleotide variant.
Coding change: c.3409G>A on transcript NM_000264.5 (MANE Select); coding-DNA position 3409, G replaced by A.
Protein change: p.Val1137Met; replaces valine 1137 with methionine.
Molecular consequence: missense variant. On other transcripts: non-coding transcript variant (1).
Genome position (GRCh38, 1-based): chr9:95,453,518, C>T on the plus strand (G>A on the coding strand, the complement: PTCH1 is on the minus strand). VCF-style: chr9-95453518-C-T. GRCh37 (hg19) VCF-style: chr9-98215800-C-T.
Other names: c.3211G>A, p.Val1071Met (NM_001083602.3); c.3406G>A, p.Val1136Met (NM_001083603.3); c.2956G>A, p.Val986Met (NM_001083604.3, NM_001083605.3, NM_001083606.3 and 1 more transcripts); c.3253G>A, p.Val1085Met (NM_001354918.2); short protein forms V1071M, V1085M, V1137M, V986M, V1136M.
Identifiers: ClinVar variation 3939973 (VCV003939973.1).

ClinVar aggregate classification (germline): Uncertain significance (1 of 4 stars; one submission).

Conditions:
Hereditary cancer-predisposing syndrome. Also called: Tumor predisposition; Hereditary neoplastic syndrome; Hereditary Cancer Syndrome; Neoplastic Syndromes, Hereditary. Identifiers: Orphanet 140162, MedGen C0027672, MeSH D009386, MONDO:0015356.

gnomAD v4.1: 1 of 1,614,184 alleles (0.000062%); highest among the groups gnomAD compares: East Asian, 0.0022%; no homozygotes.

Submission:

Ambry Genetics
Classification: Uncertain significance for Hereditary cancer-predisposing syndrome. Last evaluated: 2025-05-17. Review status: criteria provided, single submitter. Criteria: Ambry Variant Classification Scheme 2023. Collection method: clinical testing. Allele origin: germline.
Comment: The p.V1137M variant (also known as c.3409G>A), located in coding exon 20 of the PTCH1 gene, results from a G to A substitution at nucleotide position 3409. The valine at codon 1137 is replaced by methionine, an amino acid with highly similar properties. This amino acid position is conserved. In addition, this alteration is predicted to be deleterious by in silico analysis. Based on the available evidence, the clinical significance of this variant remains unclear.